The following is an entry in ClinVar:

NM_001844.5(COL2A1):c.1423C>A (p.Pro475Thr)

Gene: COL2A1 (collagen type II alpha 1 chain; minus strand). Cytogenetic location: 12q13.11.
Variant type: single nucleotide variant.
Coding change: c.1423C>A on transcript NM_001844.5 (MANE Select); coding-DNA position 1423, C replaced by A.
Protein change: p.Pro475Thr; replaces proline 475 with threonine.
Molecular consequence: missense variant.
Genome position (GRCh38, 1-based): chr12:47,986,440, G>T on the plus strand (C>A on the coding strand, the complement: COL2A1 is on the minus strand). VCF-style: chr12-47986440-G-T. GRCh37 (hg19) VCF-style: chr12-48380223-G-T.
Other names: c.1423C>A (NM_001844.4); c.1216C>A, p.Pro406Thr (NM_033150.3); short protein forms P475T, P406T.
Identifiers: ClinVar variation 1981280 (VCV001981280.5), dbSNP rs757226164, ClinGen allele CA6535475.

ClinVar aggregate classification (germline): Uncertain significance. Review status: criteria provided, multiple submitters, no conflicts (2 of 4 stars). 2 submissions from 2 submitters: Uncertain significance (2). Last evaluated 2025-10-01.

Conditions:
Inborn genetic diseases. Identifiers: MedGen C0950123, MeSH D030342.

gnomAD v4.1: 1 of 1,552,764 alleles (0.000064%); highest among the groups gnomAD compares: Non-Finnish European, 0.000087%; no homozygotes.

Submissions (2):

Labcorp Genetics (formerly Invitae), Labcorp
Classification: Uncertain significance. Last evaluated: 2025-10-01. Review status: criteria provided, single submitter. Criteria: Invitae Variant Classification Sherloc (09022015). Collection method: clinical testing. Allele origin: germline.
Comment: This sequence change replaces proline, which is neutral and non-polar, with threonine, which is neutral and polar, at codon 475 of the COL2A1 protein (p.Pro475Thr). This variant is not present in population databases (gnomAD no frequency). This variant has not been reported in the literature in individuals affected with COL2A1-related conditions. ClinVar contains an entry for this variant (Variation ID: 1981280). Invitae Evidence Modeling of protein sequence and biophysical properties (such as structural, functional, and spatial information, amino acid conservation, physicochemical variation, residue mobility, and thermodynamic stability) indicates that this missense variant is not expected to disrupt COL2A1 protein function with a negative predictive value of 95%. In summary, the available evidence is currently insufficient to determine the role of this variant in disease. Therefore, it has been classified as a Variant of Uncertain Significance.

Ambry Genetics
Classification: Uncertain significance for Inborn genetic diseases. Last evaluated: 2025-06-18. Review status: criteria provided, single submitter. Criteria: Ambry Variant Classification Scheme 2023. Collection method: clinical testing. Allele origin: germline.